The following is an entry in ClinVar:

ClinVar aggregate classification (germline): Uncertain significance. Review status: criteria provided, multiple submitters, no conflicts (2 of 4 stars). 4 submissions from 4 submitters: Uncertain significance (4). Last evaluated 2024-05-01.

Conditions:
Donnai-Barrow syndrome. Also called: DBS/FOAR SYNDROME; FACIOOCULOACOUSTICORENAL SYNDROME. Identifiers: Orphanet 2143, MedGen C1857277, MONDO:0009104, OMIM 222448.

Allele frequency attached by ClinVar (database versions not stated): TOPMed below 0.00001; gnomAD exomes 0.00001.
gnomAD v4.1: 10 of 1,614,198 alleles (0.00062%); highest among the groups gnomAD compares: Middle Eastern, 0.049%; no homozygotes.

Submissions (4):

CeGaT Center for Human Genetics Tuebingen
Classification: Uncertain significance. Last evaluated: 2024-05-01. Review status: criteria provided, single submitter. Criteria: CeGaT Center For Human Genetics Tuebingen Variant Classification Criteria Version 2. Collection method: clinical testing. Allele origin: germline. Affected: yes. Observed: 1 variant allele.
Comment: LRP2: PM2

Fulgent Genetics
Classification: Uncertain significance for Donnai-Barrow syndrome. Last evaluated: 2024-01-23. Review status: criteria provided, single submitter. Criteria: ACMG Guidelines, 2015. Collection method: clinical testing. Allele origin: germline.

Labcorp Genetics (formerly Invitae), Labcorp
Classification: Uncertain significance. Last evaluated: 2022-10-04. Review status: criteria provided, single submitter. Criteria: Invitae Variant Classification Sherloc (09022015). Collection method: clinical testing. Allele origin: germline.
Comment: This sequence change replaces phenylalanine, which is neutral and non-polar, with leucine, which is neutral and non-polar, at codon 1166 of the LRP2 protein (p.Phe1166Leu). This variant is present in population databases (no rsID available, gnomAD 0.002%). This variant has not been reported in the literature in individuals affected with LRP2-related conditions. ClinVar contains an entry for this variant (Variation ID: 1461752). Algorithms developed to predict the effect of missense changes on protein structure and function (SIFT, PolyPhen-2, Align-GVGD) all suggest that this variant is likely to be tolerated. In summary, the available evidence is currently insufficient to determine the role of this variant in disease. Therefore, it has been classified as a Variant of Uncertain Significance.

Breakthrough Genomics
Classification: Uncertain significance. Review status: criteria provided, single submitter. Criteria: ACMG Guidelines, 2015. Collection method: not provided. Allele origin: germline. Inheritance: Autosomal recessive inheritance. Affected: yes.

NM_004525.3(LRP2):c.3498T>G (p.Phe1166Leu)

Gene: LRP2 (LDL receptor related protein 2; minus strand). Cytogenetic location: 2q31.1.
Variant type: single nucleotide variant.
Coding change: c.3498T>G on transcript NM_004525.3 (MANE Select); coding-DNA position 3498, T replaced by G.
Protein change: p.Phe1166Leu; replaces phenylalanine 1166 with leucine.
Molecular consequence: missense variant.
Genome position (GRCh38, 1-based): chr2:169,243,455, A>C on the plus strand (T>G on the coding strand, the complement: LRP2 is on the minus strand). VCF-style: chr2-169243455-A-C. GRCh37 (hg19) VCF-style: chr2-170099965-A-C.
Other names: short protein forms F1166L.
Identifiers: ClinVar variation 1461752 (VCV001461752.26), dbSNP rs1281511829, ClinGen allele CA349150321.